The following is an entry in ClinVar:

NM_000064.4(C3):c.3617T>C (p.Leu1206Pro)

Gene: C3 (complement C3; minus strand). Cytogenetic location: 19p13.3.
Variant type: single nucleotide variant.
Coding change: c.3617T>C on transcript NM_000064.4 (MANE Select); coding-DNA position 3617, T replaced by C.
Protein change: p.Leu1206Pro; replaces leucine 1206 with proline.
Molecular consequence: missense variant.
Genome position (GRCh38, 1-based): chr19:6,686,775, A>G on the plus strand (T>C on the coding strand, the complement: C3 is on the minus strand). VCF-style: chr19-6686775-A-G. GRCh37 (hg19) VCF-style: chr19-6686786-A-G.
Other names: p.Leu1206Pro; short protein forms L1206P.
Identifiers: ClinVar variation 2683471 (VCV002683471.1), dbSNP rs2512235975, ClinGen allele CA403620733.

ClinVar aggregate classification (germline): Uncertain significance (1 of 4 stars; one submission).

Submission:

Mayo Clinic Laboratories, Mayo Clinic
Classification: Uncertain significance. Last evaluated: 2022-07-13. Review status: criteria provided, single submitter. Criteria: ACMG Guidelines, 2015. Collection method: clinical testing. Allele origin: germline. Observed: 1 variant allele.
Comment: BP4, PM2_supporting